The following is an entry in ClinVar:

ClinVar aggregate classification (germline): Uncertain significance (1 of 4 stars; one submission).

Conditions:
Mucopolysaccharidosis type 1. Also called: IDUA deficiency; MPS I; Mucopolysaccharidosis Type I. Identifiers: Orphanet 579, MedGen C0023786, MONDO:0001586.

gnomAD v4.1: 1 of 1,613,526 alleles (0.000062%); highest among the groups gnomAD compares: Admixed American, 0.0017%; no homozygotes.

Submission:

Labcorp Genetics (formerly Invitae), Labcorp
Classification: Uncertain significance for Mucopolysaccharidosis type 1. Last evaluated: 2024-12-23. Review status: criteria provided, single submitter. Criteria: Invitae Variant Classification Sherloc (09022015). Collection method: clinical testing. Allele origin: germline.
Comment: This sequence change affects codon 149 of the IDUA mRNA. It is a 'silent' change, meaning that it does not change the encoded amino acid sequence of the IDUA protein. This variant is not present in population databases (gnomAD no frequency). This variant has not been reported in the literature in individuals affected with IDUA-related conditions. Algorithms developed to predict the effect of sequence changes on RNA splicing suggest that this variant may disrupt the consensus splice site. In summary, the available evidence is currently insufficient to determine the role of this variant in disease. Therefore, it has been classified as a Variant of Uncertain Significance.

NM_000203.5(IDUA):c.447G>A (p.Val149=)

Gene: IDUA (alpha-L-iduronidase; plus strand). Cytogenetic location: 4p16.3.
Variant type: single nucleotide variant.
Coding change: c.447G>A on transcript NM_000203.5 (MANE Select); coding-DNA position 447, G replaced by A.
Protein change: p.Val149=; no amino-acid change (valine 149 retained).
Molecular consequence: synonymous variant. On other transcripts: non-coding transcript variant (1).
Genome position (GRCh38, 1-based): chr4:1,000,943, G>A. VCF-style: chr4-1000943-G-A. GRCh37 (hg19) VCF-style: chr4-994731-G-A.
Other names: c.51G>A, p.Val17= (NM_001363576.1).
Identifiers: ClinVar variation 3693293 (VCV003693293.2).
Genomic context (GRCh38, chr4:1,000,943, plus strand): 5'-GTTTGAGCTGATGGGCAGCGCCTCGGGCCACTTCACTGACTTTGAGGACAAGCAGCAGGT[G>A]TTTGAGTGGAAGGACTTGGTCTCCAGCCTGGCCAGGAGATACATCGGTGGGCGAGCGCAG-3'
Protein context (NP_000194.2, residues 139-159): HFTDFEDKQQ[Val149=]FEWKDLVSSL